The following is an entry in ClinVar:

ClinVar aggregate classification (germline): Likely benign (1 of 4 stars; one submission).

Allele frequency attached by ClinVar (database versions not stated): 1000 Genomes Project 0.00160; gnomAD 0.00211; 1000 Genomes Project 30x 0.00265; TOPMed 0.00291.
gnomAD v4.1: 272 of 130,518 alleles (0.21%); highest among the groups gnomAD compares: African/African-American, 0.75%; 3 homozygotes.

Submission:

CeGaT Center for Human Genetics Tuebingen
Classification: Likely benign. Last evaluated: 2024-10-01. Review status: criteria provided, single submitter. Criteria: CeGaT Center For Human Genetics Tuebingen Variant Classification Criteria Version 2. Collection method: clinical testing. Allele origin: germline. Affected: yes. Observed: 2 variant alleles.
Comment: SUZ12: BS2

NM_015355.4(SUZ12):c.274+321C>T

Gene: SUZ12 (SUZ12 polycomb repressive complex 2 subunit; plus strand). Cytogenetic location: 17q11.2.
Variant type: single nucleotide variant.
Coding change: c.274+321C>T on transcript NM_015355.4 (MANE Select); 321 bases into the intron after coding-DNA position 274, C replaced by T.
Molecular consequence: intron variant.
Genome position (GRCh38, 1-based): chr17:31,937,841, C>T. VCF-style: chr17-31937841-C-T. GRCh37 (hg19) VCF-style: chr17-30264860-C-T.
Other names: c.274+321C>T (NM_001321207.2).
Identifiers: ClinVar variation 2647646 (VCV002647646.24), dbSNP rs536553697, ClinGen allele CA289421686.